The following is an entry in ClinVar:

ClinVar aggregate classification (germline): Pathogenic (1 of 4 stars; one submission).

Conditions:
Familial adenomatous polyposis 1 (FAP1). Also called: FAMILIAL ADENOMATOUS POLYPOSIS 1, ATTENUATED; POLYPOSIS, ADENOMATOUS INTESTINAL. Identifiers: MedGen C2713442, MONDO:0021056, OMIM 175100. Disease mechanism: loss of function.

Submission:

Labcorp Genetics (formerly Invitae), Labcorp
Classification: Pathogenic for Familial adenomatous polyposis 1. Last evaluated: 2021-10-02. Review status: criteria provided, single submitter. Criteria: Invitae Variant Classification Sherloc (09022015). Collection method: clinical testing. Allele origin: germline.
Comment: For these reasons, this variant has been classified as Pathogenic. This variant has not been reported in the literature in individuals affected with APC-related conditions. This variant is not present in population databases (ExAC no frequency). This sequence change creates a premature translational stop signal (p.Ser127Argfs*3) in the APC gene. It is expected to result in an absent or disrupted protein product. Loss-of-function variants in APC are known to be pathogenic (PMID: 17963004, 20685668).

Literature cited by the submitters: PubMed 17963004; PubMed 20685668.

NM_000038.6(APC):c.381_406del (p.Ser127fs)

Gene: APC (APC regulator of Wnt signaling pathway; plus strand). Cytogenetic location: 5q22.2.
Variant type: Deletion.
Coding change: c.381_406del on transcript NM_000038.6 (MANE Select); coding-DNA positions 381 to 406, 26 bases deleted (CAGAGAAAGTACTGGATATTTAGAAG).
Protein change: p.Ser127fs; shifts the reading frame from serine 127.
Molecular consequence: frameshift variant. On other transcripts: 5 prime UTR variant (1).
Genome position (GRCh38, 1-based): chr5:112,767,349-112,767,374, CAGAGAAAGTACTGGATATTTAGAAG deleted; deleting any 26 consecutive bases within chr5:112,767,345-112,767,374 gives the same sequence; the c. name uses the placement nearest the transcript's 3' end. VCF-style (leftmost placement, unchanged base first): chr5-112767344-GGAAGCAGAGAAAGTACTGGATATTTA-G. GRCh37 (hg19) VCF-style: chr5-112103041-GGAAGCAGAGAAAGTACTGGATATTTA-G.
Other names: c.381_406del, p.Ser127fs (NM_001127510.3, NM_001354895.2, NM_001354896.2 and 2 more transcripts); c.411_436del, p.Ser137fs (NM_001127511.3, NM_001354897.2, NM_001354902.2); c.306_331del, p.Ser102fs (NM_001354898.2, NM_001354904.2); c.204_229del, p.Ser68fs (NM_001354900.2, NM_001354901.2, NM_001354905.2); c.-655_-630del (NM_001354906.2); short protein forms S102fs, S127fs, S137fs, S68fs.
Identifiers: ClinVar variation 1409454 (VCV001409454.6), dbSNP rs2149789500, ClinGen allele CA2497029986.